The following is an entry in ClinVar:

ClinVar aggregate classification (germline): Uncertain significance (1 of 4 stars; one submission).

Conditions:
Mitochondrial DNA depletion syndrome 13. Also called: FBXL4-Related Encephalomyopathic Mitochondrial DNA Depletion Syndrome; Mitochondrial DNA depletion syndrome 13 (encephalomyopathic type). Identifiers: Orphanet 369897, MedGen C3809592, MONDO:0014198, OMIM 615471.

Allele frequency attached by ClinVar (database versions not stated): gnomAD exomes below 0.00001; ExAC 0.00001.
gnomAD v4.1: 1 of 1,614,048 alleles (0.000062%); highest among the groups gnomAD compares: South Asian, 0.0011%; no homozygotes.

Submission:

Wong Mito Lab, Molecular and Human Genetics, Baylor College of Medicine
Classification: Uncertain significance for Mitochondrial DNA depletion syndrome 13. Last evaluated: 2017-08-10. Review status: criteria provided, single submitter. Criteria: ACMG Guidelines, 2015. Collection method: reference population. Allele origin: germline.
Comment: The NM_012160.4:c.982T>C (NP_036292.2:p.Tyr328His) [GRCH38: NC_000006.12:g.98905547A>G] variant in FBXL4 gene is interpretated to be a Uncertain Significance - Insufficient Evidence based on ACMG guidelines (PMID: 25741868). This variant meets one or more of the following evidence codes reported in the ACMG-guideline. PM2:This variant is absent in key population databases. PP3:Computational evidence/predictors indicate the variant has deleterious effect on FBXL4 structure, function, or protein-protein interaction. Based on this evidence code ClinGen Pathogenicity Calculator (PMID:28081714) suggested that the variant is Uncertain Significance - Insufficient Evidence.

NM_001278716.2(FBXL4):c.982T>C (p.Tyr328His)

Gene: FBXL4 (F-box and leucine rich repeat protein 4; minus strand). Cytogenetic location: 6q16.2.
Variant type: single nucleotide variant.
Coding change: c.982T>C on transcript NM_001278716.2 (MANE Select); coding-DNA position 982, T replaced by C.
Protein change: p.Tyr328His; replaces tyrosine 328 with histidine.
Molecular consequence: missense variant. On other transcripts: non-coding transcript variant (2).
Genome position (GRCh38, 1-based): chr6:98,905,547, A>G on the plus strand (T>C on the coding strand, the complement: FBXL4 is on the minus strand). VCF-style: chr6-98905547-A-G. GRCh37 (hg19) VCF-style: chr6-99353423-A-G.
Other names: c.982T>C, p.Tyr328His (NM_012160.5); short protein forms Y328H.
Identifiers: ClinVar variation 437669 (VCV000437669.1), dbSNP rs772370168, ClinGen allele CA3933569.
Genomic context (GRCh38, chr6:98,905,547, plus strand): 5'-GGACAAGAGTGCAGCGAGACTGTAGAAATTCCAGAGAAGTGTCATCTAGTTTTGCCCAGT[A>G]TGGTTGCAGATTGAGGTGGATGTATTGCAGAGGATCACAGCAATGCTGGCTCAGTAGTTT-3'
Protein context (NP_001265645.1, residues 318-338): LQYIHLNLQP[Tyr328His]WAKLDDTSLE